The following is an entry in ClinVar:

ClinVar aggregate classification (germline): Conflicting classifications of pathogenicity. Review status: criteria provided, conflicting classifications (1 of 4 stars). 3 submissions from 3 submitters: Uncertain significance (1); Likely benign (2). Last evaluated 2026-01-09.

Conditions:
LAMB1-related disorder. Also called: LAMB1-related condition.

Allele frequency attached by ClinVar (database versions not stated): ExAC 0.00007; gnomAD 0.00007 and 0.00009; gnomAD exomes 0.00017.
gnomAD v4.1: 69 of 1,525,048 alleles (0.0045%); highest among the groups gnomAD compares: Admixed American, 0.097%; no homozygotes.

Submissions (3):

Labcorp Genetics (formerly Invitae), Labcorp
Classification: Likely benign. Last evaluated: 2026-01-09. Review status: criteria provided, single submitter. Criteria: Invitae Variant Classification Sherloc (09022015). Collection method: clinical testing. Allele origin: germline.

PreventionGenetics, part of Exact Sciences
Classification: Likely benign for LAMB1-related condition. Last evaluated: 2025-11-13. Review status: criteria provided, single submitter. Criteria: ACMG Guidelines, 2015. Collection method: clinical testing. Allele origin: germline.
Comment: This variant is classified as likely benign based on ACMG/AMP sequence variant interpretation guidelines (Richards et al. 2015 PMID: 25741868, with internal and published modifications).

GeneDx
Classification: Uncertain significance. Last evaluated: 2020-10-26. Review status: criteria provided, single submitter. Criteria: GeneDx Variant Classification Process June 2021. Collection method: clinical testing. Allele origin: germline. Affected: yes.
Comment: Has not been previously published as pathogenic or benign to our knowledge; In-silico analysis, which includes splice predictors and evolutionary conservation, is inconclusive as to whether the variant alters gene splicing. In the absence of RNA/functional studies, the actual effect of this sequence change is unknown

NM_002291.3(LAMB1):c.5225-8C>A

Gene: LAMB1 (laminin subunit beta 1; minus strand). Cytogenetic location: 7q31.1.
Variant type: single nucleotide variant.
Coding change: c.5225-8C>A on transcript NM_002291.3 (MANE Select); 8 bases into the intron before coding-DNA position 5225, C replaced by A.
Molecular consequence: intron variant.
Genome position (GRCh38, 1-based): chr7:107,924,095, G>T on the plus strand (C>A on the coding strand, the complement: LAMB1 is on the minus strand). VCF-style: chr7-107924095-G-T. GRCh37 (hg19) VCF-style: chr7-107564540-G-T.
Identifiers: ClinVar variation 718052 (VCV000718052.13), dbSNP rs778153007, ClinGen allele CA4434791.